The following is an entry in ClinVar:

ClinVar aggregate classification (germline): Conflicting classifications of pathogenicity. Review status: criteria provided, conflicting classifications (1 of 4 stars). 4 submissions from 4 submitters: Uncertain significance (1); Likely benign (2). 1 of the submissions does not count toward it. Last evaluated 2024-12-04.

Conditions:
Lissencephaly 9 with complex brainstem malformation. Identifiers: Orphanet 572013, MedGen C5193029, MONDO:0032677, OMIM 618325.
MACF1-related disorder. Also called: MACF1-related condition.

Allele frequency attached by ClinVar (database versions not stated): TOPMed 0.00029; 1000 Genomes Project 30x 0.00031; 1000 Genomes Project 0.00040.
gnomAD v4.1: 244 of 1,614,070 alleles (0.015%); highest among the groups gnomAD compares: East Asian, 0.24%; 1 homozygote.

Submissions (4):

Labcorp Genetics (formerly Invitae), Labcorp
Classification: Likely benign. Last evaluated: 2024-12-04. Review status: criteria provided, single submitter. Criteria: Invitae Variant Classification Sherloc (09022015). Collection method: clinical testing. Allele origin: germline.

Blueprint Genetics
Classification: Likely benign. Last evaluated: 2024-07-19. Review status: criteria provided, single submitter. Criteria: ACMG Guidelines, 2015. Collection method: clinical testing. Allele origin: germline.

Department of Pathology and Laboratory Medicine, Sinai Health System
Classification: Uncertain significance for Lissencephaly 9 with complex brainstem malformation. Last evaluated: 2022-10-25. Review status: criteria provided, single submitter. Criteria: ACMG Guidelines, 2015. Collection method: research. Allele origin: germline.

PreventionGenetics, part of Exact Sciences
Classification: Likely benign for MACF1-related condition. Last evaluated: 2019-07-10. Review status: no assertion criteria provided. Collection method: clinical testing. Allele origin: germline. Not counted in ClinVar's aggregate classification.
Comment: This variant is classified as likely benign based on ACMG/AMP sequence variant interpretation guidelines (Richards et al. 2015 PMID: 25741868, with internal and published modifications).

NM_001394062.1(MACF1):c.4103G>A (p.Arg1368His)

Gene: MACF1 (microtubule actin crosslinking factor 1; plus strand). Cytogenetic location: 1p34.3.
Variant type: single nucleotide variant.
Coding change: c.4103G>A on transcript NM_001394062.1 (MANE Select); coding-DNA position 4103, G replaced by A.
Protein change: p.Arg1368His; replaces arginine 1368 with histidine.
Molecular consequence: missense variant.
Genome position (GRCh38, 1-based): chr1:39,322,681, G>A. VCF-style: chr1-39322681-G-A. GRCh37 (hg19) VCF-style: chr1-39788353-G-A.
Other names: c.4118G>A, p.Arg1373His (NM_012090.5); short protein forms R1373H, R1368H.
Identifiers: ClinVar variation 718959 (VCV000718959.13), dbSNP rs200487900, ClinGen allele CA780188.